The following is an entry in ClinVar:

ClinVar aggregate classification (germline): Conflicting classifications of pathogenicity. Review status: criteria provided, conflicting classifications (1 of 4 stars). 4 submissions from 4 submitters: Pathogenic (1); Uncertain significance (3). Last evaluated 2025-06-09.

Conditions:
ACADVL-related disorder. Also called: ACADVL-related condition.
Very long chain acyl-CoA dehydrogenase deficiency (ACADVLD). Also called: Very Long-Chain Acyl-Coenzyme A Dehydrogenase Deficiency; VLCAD Deficiency. Identifiers: Orphanet 26793, MedGen C3887523, MONDO:0008723, OMIM 201475.

Allele frequency attached by ClinVar (database versions not stated): gnomAD exomes 0.00001; ExAC 0.00002.
gnomAD v4.1: 5 of 1,614,056 alleles (0.00031%); highest among the groups gnomAD compares: Admixed American, 0.005%; no homozygotes.

Submissions (4):

Labcorp Genetics (formerly Invitae), Labcorp
Classification: Pathogenic for Very long chain acyl-CoA dehydrogenase deficiency. Last evaluated: 2025-06-09. Review status: criteria provided, single submitter. Criteria: Invitae Variant Classification Sherloc (09022015). Collection method: clinical testing. Allele origin: germline.
Comment: This sequence change replaces leucine, which is neutral and non-polar, with histidine, which is basic and polar, at codon 243 of the ACADVL protein (p.Leu243His). This variant is present in population databases (rs772999007, gnomAD 0.006%). This missense change has been observed in individual(s) with VLCAD deficiency (internal data). In at least one individual the data is consistent with being in trans (on the opposite chromosome) from a pathogenic variant. ClinVar contains an entry for this variant (Variation ID: 932890). Invitae Evidence Modeling of protein sequence and biophysical properties (such as structural, functional, and spatial information, amino acid conservation, physicochemical variation, residue mobility, and thermodynamic stability) indicates that this missense variant is expected to disrupt ACADVL protein function with a positive predictive value of 80%. For these reasons, this variant has been classified as Pathogenic.

PreventionGenetics, part of Exact Sciences
Classification: Uncertain significance for ACADVL-related condition. Last evaluated: 2023-08-30. Review status: criteria provided, single submitter. Criteria: ACMG Guidelines, 2015. Collection method: clinical testing. Allele origin: germline.
Comment: The ACADVL c.728T>A variant is predicted to result in the amino acid substitution p.Leu243His. To our knowledge, this variant has not been reported in the literature. This variant is reported in 0.0058% of alleles in individuals of Latino descent in gnomAD. Two different missense variants affecting this residue have been reported in patients with very long chain acyl-CoA dehydrogenase deficiency (p.Leu243Phe and p.Leu243Arg, Watanabe et al. 2018. PubMed ID: 30023301, Andresen et al. 1999. PubMed ID: 9973285). At this time, the clinical significance of this variant is uncertain due to the absence of conclusive functional and genetic evidence.

ARUP Laboratories, Molecular Genetics and Genomics, ARUP Laboratories
Classification: Uncertain significance for Very long chain acyl-CoA dehydrogenase deficiency. Last evaluated: 2021-03-18. Review status: criteria provided, single submitter. Criteria: ARUP Molecular Germline Variant Investigation Process 2021. Collection method: clinical testing. Allele origin: germline.
Comment: The ACADVL c.728T>A; p.Leu243His variant (rs772999007), to our knowledge, is not reported in the medical literature but is reported in ClinVar (Variation ID: 932890). This variant is found in the general population with an allele frequency of 0.0012% (3/251492 alleles) in the Genome Aggregation Database. Additionally, other variants at this codon (c.727C>T, p.Leu243Phe; c.728T>G, p.Leu243Arg) have been reported in individuals with VLCAD (Andresen 1999, Watanabe 2018). The leucine at codon 243 is highly conserved, and computational analyses predict that this variant is deleterious (REVEL: 0.958). However, given the lack of clinical and functional data, the significance of the p.Leu243His variant is uncertain at this time References: Andresen BS et al. Clear correlation of genotype with disease phenotype in very-long-chain acyl-CoA dehydrogenase deficiency. Am J Hum Genet. 1999 Feb;64(2):479-94. Watanabe K et al. Two siblings with very long-chain acyl-CoA dehydrogenase (VLCAD) deficiency suffered from rhabdomyolysis after l-carnitine supplementation. Mol Genet Metab Rep. 2018 Apr 13;15:121-123.

Wong Mito Lab, Molecular and Human Genetics, Baylor College of Medicine
Classification: Uncertain significance for Very long chain acyl-CoA dehydrogenase deficiency. Last evaluated: 2019-11-01. Review status: criteria provided, single submitter. Criteria: ACMG Guidelines, 2015. Collection method: clinical testing. Allele origin: germline.
Comment: The NM_000018.3:c.728T>A (NP_000009.1:p.Leu243His) [GRCH38: NC_000017.11:g.7222057T>A] variant in ACADVL gene is interpretated to be Uncertain Significance based on ACMG guidelines (PMID: 25741868). This variant has been reported. This variant meets the following evidence codes reported in the ACMG guidelines: PP3

NM_000018.4(ACADVL):c.728T>A (p.Leu243His)

Gene: ACADVL (acyl-CoA dehydrogenase very long chain; plus strand). Cytogenetic location: 17p13.1.
Variant type: single nucleotide variant.
Coding change: c.728T>A on transcript NM_000018.4 (MANE Select); coding-DNA position 728, T replaced by A.
Protein change: p.Leu243His; replaces leucine 243 with histidine.
Molecular consequence: missense variant.
Genome position (GRCh38, 1-based): chr17:7,222,057, T>A. VCF-style: chr17-7222057-T-A. GRCh37 (hg19) VCF-style: chr17-7125376-T-A.
Other names: c.662T>A, p.Leu221His (NM_001033859.3); c.797T>A, p.Leu266His (NM_001270447.2); c.500T>A, p.Leu167His (NM_001270448.2); short protein forms L266H, L167H, L221H, L243H.
Identifiers: ClinVar variation 932890 (VCV000932890.16), dbSNP rs772999007, ClinGen allele CA8337820.